The following is an entry in ClinVar:

ClinVar aggregate classification (germline): Uncertain significance. Review status: criteria provided, multiple submitters, no conflicts (2 of 4 stars). 3 submissions from 3 submitters: Uncertain significance (3). Last evaluated 2026-07-27.

Conditions:
MYO18B-related disorder. Also called: MYO18B-related condition.
Inborn genetic diseases. Identifiers: MedGen C0950123, MeSH D030342.

Allele frequency attached by ClinVar (database versions not stated): ExAC 0.00004; ESP Exome Variant Server 0.00008; TOPMed 0.00011; 1000 Genomes Project 0.00060; 1000 Genomes Project 30x 0.00062.
gnomAD v4.1: 40 of 1,613,982 alleles (0.0025%); highest among the groups gnomAD compares: African/African-American, 0.052%; no homozygotes.

Submissions (3):

PreventionGenetics, part of Exact Sciences
Classification: Uncertain significance for MYO18B-related condition. Last evaluated: 2026-07-27. Review status: criteria provided, single submitter. Criteria: ACMG Guidelines, 2015. Collection method: clinical testing. Allele origin: germline.
Comment: The MYO18B c.7252C>A variant is predicted to result in the amino acid substitution p.Pro2418Thr. To our knowledge, this variant has not been reported in the literature. This variant is reported in 0.062% of alleles in individuals of African descent in gnomAD. Although we suspect that this variant may be benign, at this time, the clinical significance of this variant is uncertain due to the absence of conclusive functional and genetic evidence.

Ambry Genetics
Classification: Uncertain significance for Inborn genetic diseases. Last evaluated: 2025-08-02. Review status: criteria provided, single submitter. Criteria: Ambry Variant Classification Scheme 2023. Collection method: clinical testing. Allele origin: germline.

Labcorp Genetics (formerly Invitae), Labcorp
Classification: Uncertain significance. Last evaluated: 2022-06-23. Review status: criteria provided, single submitter. Criteria: Invitae Variant Classification Sherloc (09022015). Collection method: clinical testing. Allele origin: germline.
Comment: This sequence change replaces proline, which is neutral and non-polar, with threonine, which is neutral and polar, at codon 2418 of the MYO18B protein (p.Pro2418Thr). This variant is present in population databases (rs377090425, gnomAD 0.06%). This variant has not been reported in the literature in individuals affected with MYO18B-related conditions. Algorithms developed to predict the effect of missense changes on protein structure and function output the following: SIFT: "Not Available"; PolyPhen-2: "Benign"; Align-GVGD: "Not Available". The threonine amino acid residue is found in multiple mammalian species, which suggests that this missense change does not adversely affect protein function. In summary, the available evidence is currently insufficient to determine the role of this variant in disease. Therefore, it has been classified as a Variant of Uncertain Significance.

NM_032608.7(MYO18B):c.7252C>A (p.Pro2418Thr)

Gene: MYO18B (myosin XVIIIB; plus strand). Cytogenetic location: 22q12.1.
Variant type: single nucleotide variant.
Coding change: c.7252C>A on transcript NM_032608.7 (MANE Select); coding-DNA position 7252, C replaced by A.
Protein change: p.Pro2418Thr; replaces proline 2418 with threonine.
Molecular consequence: missense variant.
Genome position (GRCh38, 1-based): chr22:26,027,226, C>A. VCF-style: chr22-26027226-C-A. GRCh37 (hg19) VCF-style: chr22-26423192-C-A.
Other names: c.7255C>A, p.Pro2419Thr (NM_001318245.2); c.7252C>A (NM_032608.5, NM_032608.6); short protein forms P2418T, P2419T.
Identifiers: ClinVar variation 2140161 (VCV002140161.3), dbSNP rs377090425, ClinGen allele CA10161734.